The following is an entry in ClinVar:

NM_017433.5(MYO3A):c.4829G>A (p.Arg1610Gln)

Gene: MYO3A (myosin IIIA; plus strand). Cytogenetic location: 10p12.1.
Variant type: single nucleotide variant.
Coding change: c.4829G>A on transcript NM_017433.5 (MANE Select); coding-DNA position 4829, G replaced by A.
Protein change: p.Arg1610Gln; replaces arginine 1610 with glutamine.
Molecular consequence: missense variant.
Genome position (GRCh38, 1-based): chr10:26,211,941, G>A. VCF-style: chr10-26211941-G-A. GRCh37 (hg19) VCF-style: chr10-26500870-G-A.
Other names: short protein forms R1610Q.
Identifiers: ClinVar variation 1307996 (VCV001307996.3), dbSNP rs375545757, ClinGen allele CA5445593.
Genomic context (GRCh38, chr10:26,211,941, plus strand): 5'-GAGAGCCAGCAGCCAACCCCTACGACTTCAGGAGGCTCCTGCGCAAAACCTCCCAGCGCC[G>A]GCGCCTCGTCCAGCAGTCCTAACCGTTCAACGAGGCAGTCACCGCCGTCGGAAGGCGCTG-3'
Protein context (NP_059129.3, residues 1600-1616): RRLLRKTSQR[Arg1610Gln]RLVQQS

ClinVar aggregate classification (germline): Conflicting classifications of pathogenicity. Review status: criteria provided, conflicting classifications (1 of 4 stars). 2 submissions from 2 submitters: Uncertain significance (1); Likely benign (1). Last evaluated 2024-06-13.

Conditions:
Inborn genetic diseases. Identifiers: MedGen C0950123, MeSH D030342.

Allele frequency attached by ClinVar (database versions not stated): gnomAD exomes 0.00001; ESP Exome Variant Server 0.00008; ExAC 0.00002.
gnomAD v4.1: 8 of 1,613,742 alleles (0.0005%); highest among the groups gnomAD compares: Admixed American, 0.0033%; no homozygotes.

Submissions (2):

Ambry Genetics
Classification: Likely benign for Inborn genetic diseases. Last evaluated: 2024-06-13. Review status: criteria provided, single submitter. Criteria: Ambry Variant Classification Scheme 2023. Collection method: clinical testing. Allele origin: germline.

GeneDx
Classification: Uncertain significance. Last evaluated: 2019-08-19. Review status: criteria provided, single submitter. Criteria: GeneDx Variant Classification Process June 2021. Collection method: clinical testing. Allele origin: germline. Affected: yes.
Comment: In silico analysis, which includes protein predictors and evolutionary conservation, supports that this variant does not alter protein structure/function; Has not been previously published as pathogenic or benign to our knowledge